The following is an entry in ClinVar:

ClinVar aggregate classification (germline): Uncertain significance. Review status: criteria provided, multiple submitters, no conflicts (2 of 4 stars). 3 submissions from 3 submitters: Uncertain significance (3). Last evaluated 2025-11-01.

Conditions:
Idiopathic generalized epilepsy. Also called: EIG; Generalised epilepsy. Identifiers: MedGen C0270850, MONDO:0005579, OMIM 600669.
Epilepsy, idiopathic generalized, susceptibility to, 13. Also called: EPILEPSY, JUVENILE MYOCLONIC, SUSCEPTIBILITY TO, 5. Identifiers: Orphanet 307, Orphanet 64280, MedGen C4013473, MONDO:0012627, OMIM 611136.
Epilepsy, childhood absence 4 (ECA4). Also called: EPILEPSY, CHILDHOOD ABSENCE, SUSCEPTIBILITY TO, 4. Identifiers: Orphanet 307, MedGen C1970160.

Allele frequency attached by ClinVar (database versions not stated): gnomAD exomes below 0.00001 and 0.00001; ExAC 0.00001.
gnomAD v4.1: 2 of 1,614,084 alleles (0.00012%); highest among the groups gnomAD compares: Non-Finnish European, 0.000085%; no homozygotes.

Submissions (3):

CeGaT Center for Human Genetics Tuebingen
Classification: Uncertain significance. Last evaluated: 2025-11-01. Review status: criteria provided, single submitter. Criteria: CeGaT Center For Human Genetics Tuebingen Variant Classification Criteria Version 2. Collection method: clinical testing. Allele origin: germline. Affected: yes. Observed: 1 variant allele.
Comment: GABRA1: PP3

Labcorp Genetics (formerly Invitae), Labcorp
Classification: Uncertain significance for Epilepsy, childhood absence 4; Epilepsy, idiopathic generalized, susceptibility to, 13; Idiopathic generalized epilepsy. Last evaluated: 2025-08-20. Review status: criteria provided, single submitter. Criteria: Invitae Variant Classification Sherloc (09022015). Collection method: clinical testing. Allele origin: germline.
Comment: This sequence change replaces proline, which is neutral and non-polar, with leucine, which is neutral and non-polar, at codon 428 of the GABRA1 protein (p.Pro428Leu). This variant is present in population databases (rs778447396, gnomAD 0.01%). This variant has not been reported in the literature in individuals affected with GABRA1-related conditions. ClinVar contains an entry for this variant (Variation ID: 994885). Invitae Evidence Modeling of protein sequence and biophysical properties (such as structural, functional, and spatial information, amino acid conservation, physicochemical variation, residue mobility, and thermodynamic stability) indicates that this missense variant is expected to disrupt GABRA1 protein function with a positive predictive value of 80%. In summary, the available evidence is currently insufficient to determine the role of this variant in disease. Therefore, it has been classified as a Variant of Uncertain Significance.

Athena Diagnostics
Classification: Uncertain significance. Last evaluated: 2020-02-26. Review status: criteria provided, single submitter. Criteria: Athena Diagnostics Criteria. Collection method: clinical testing. Allele origin: unknown.

NM_001127644.2(GABRA1):c.1283C>T (p.Pro428Leu)

Gene: GABRA1 (gamma-aminobutyric acid type A receptor subunit alpha1; plus strand). Cytogenetic location: 5q34.
Variant type: single nucleotide variant.
Coding change: c.1283C>T on transcript NM_001127644.2 (MANE Select); coding-DNA position 1283, C replaced by T.
Protein change: p.Pro428Leu; replaces proline 428 with leucine.
Molecular consequence: missense variant.
Genome position (GRCh38, 1-based): chr5:161,897,334, C>T. VCF-style: chr5-161897334-C-T. GRCh37 (hg19) VCF-style: chr5-161324340-C-T.
Other names: c.1283C>T, p.Pro428Leu (NM_000806.5, NM_001127643.2, NM_001127645.2 and 1 more transcripts); short protein forms P428L.
Identifiers: ClinVar variation 994885 (VCV000994885.9), dbSNP rs778447396, ClinGen allele CA3544608.